The following is an entry in ClinVar:

ClinVar aggregate classification (germline): Benign/Likely benign. Review status: criteria provided, multiple submitters, no conflicts (2 of 4 stars). 3 submissions from 3 submitters: Benign (1); Likely benign (2). Last evaluated 2026-01-24.

Conditions:
Hereditary cancer-predisposing syndrome. Also called: Tumor predisposition; Hereditary Cancer Syndrome; Hereditary neoplastic syndrome; Neoplastic Syndromes, Hereditary. Identifiers: Orphanet 140162, MedGen C0027672, MeSH D009386, MONDO:0015356.
Familial adenomatous polyposis 1 (FAP1). Also called: FAMILIAL ADENOMATOUS POLYPOSIS 1, ATTENUATED; POLYPOSIS, ADENOMATOUS INTESTINAL. Identifiers: MedGen C2713442, MONDO:0021056, OMIM 175100. Disease mechanism: loss of function.

Submissions (3):

Ambry Genetics
Classification: Likely benign for Hereditary cancer-predisposing syndrome. Last evaluated: 2026-01-24. Review status: criteria provided, single submitter. Criteria: Ambry Variant Classification Scheme 2023. Collection method: clinical testing. Allele origin: germline.

Labcorp Genetics (formerly Invitae), Labcorp
Classification: Likely benign for Familial adenomatous polyposis 1. Last evaluated: 2025-06-27. Review status: criteria provided, single submitter. Criteria: Invitae Variant Classification Sherloc (09022015). Collection method: clinical testing. Allele origin: germline.

Myriad Genetics, Inc.
Classification: Benign for Familial adenomatous polyposis 1. Last evaluated: 2024-03-18. Review status: criteria provided, single submitter. Criteria: Myriad Autosomal Dominant, Autosomal Recessive and X-Linked Classification Criteria (2023). Collection method: clinical testing. Allele origin: unknown.
Comment: This variant is considered benign. This variant is a silent/synonymous amino acid change and it is not expected to impact splicing.

NM_000038.6(APC):c.3432T>C (p.Ser1144=)

Gene: APC (APC regulator of Wnt signaling pathway; plus strand). Cytogenetic location: 5q22.2.
Variant type: single nucleotide variant.
Coding change: c.3432T>C on transcript NM_000038.6 (MANE Select); coding-DNA position 3432, T replaced by C.
Protein change: p.Ser1144=; no amino-acid change (serine 1144 retained).
Molecular consequence: synonymous variant. On other transcripts: non-coding transcript variant (2).
Genome position (GRCh38, 1-based): chr5:112,839,026, T>C. VCF-style: chr5-112839026-T-C. GRCh37 (hg19) VCF-style: chr5-112174723-T-C.
Other names: c.3432T>C, p.Ser1144= (NM_001127510.3, NM_001354895.2, NM_001407450.1); c.3378T>C, p.Ser1126= (NM_001127511.3); c.3486T>C, p.Ser1162= (NM_001354896.2, NM_001407447.1, NM_001407448.1 and 1 more transcripts); c.3462T>C, p.Ser1154= (NM_001354897.2); c.3357T>C, p.Ser1119= (NM_001354898.2); c.3348T>C, p.Ser1116= (NM_001354899.2); c.3309T>C, p.Ser1103= (NM_001354900.2); c.3255T>C, p.Ser1085= (NM_001354901.2, NM_001407453.1); and 12 more.
Identifiers: ClinVar variation 1936275 (VCV001936275.7), dbSNP rs2533497511, ClinGen allele CA445963875.